The following is an entry in ClinVar:

ClinVar aggregate classification (germline): Uncertain significance (1 of 4 stars; one submission).

Conditions:
DiGeorge syndrome. Also called: Catch22; THIRD AND FOURTH PHARYNGEAL POUCH SYNDROME. Identifiers: Orphanet 567, MedGen C0012236, MONDO:0008564, OMIM 188400.

Submission:

Labcorp Genetics (formerly Invitae), Labcorp
Classification: Uncertain significance for DiGeorge syndrome. Last evaluated: 2021-04-05. Review status: criteria provided, single submitter. Criteria: Invitae Variant Classification Sherloc (09022015). Collection method: clinical testing. Allele origin: germline.
Comment: In summary, the available evidence is currently insufficient to determine the role of this variant in disease. Therefore, it has been classified as a Variant of Uncertain Significance. Algorithms developed to predict the effect of missense changes on protein structure and function are either unavailable or do not agree on the potential impact of this missense change (SIFT: "Tolerated"; PolyPhen-2: "Possibly Damaging"; Align-GVGD: "Class C0"). This variant has not been reported in the literature in individuals with TBX1-related conditions. This variant is not present in population databases (ExAC no frequency). This sequence change replaces alanine with valine at codon 450 of the TBX1 protein (p.Ala450Val). The alanine residue is weakly conserved and there is a small physicochemical difference between alanine and valine.

NM_001379200.1(TBX1):c.1376C>T (p.Ala459Val)

Gene: TBX1 (T-box transcription factor 1; plus strand). Cytogenetic location: 22q11.21.
Variant type: single nucleotide variant.
Coding change: c.1376C>T on transcript NM_001379200.1 (MANE Select); coding-DNA position 1376, C replaced by T.
Protein change: p.Ala459Val; replaces alanine 459 with valine.
Molecular consequence: missense variant. On other transcripts: intron variant (2).
Genome position (GRCh38, 1-based): chr22:19,766,728, C>T. VCF-style: chr22-19766728-C-T. GRCh37 (hg19) VCF-style: chr22-19754251-C-T.
Other names: c.1349C>T, p.Ala450Val (NM_080647.1); c.1009+726C>T (NM_005992.1, NM_080646.2); short protein forms A450V, A459V.
Identifiers: ClinVar variation 1476512 (VCV001476512.8), dbSNP rs1936866904, ClinGen allele CA410685196.